The following is an entry in ClinVar:

NM_012469.4(PRPF6):c.1430A>G (p.Asn477Ser)

Gene: PRPF6 (pre-mRNA processing factor 6; plus strand). Cytogenetic location: 20q13.33.
Variant type: single nucleotide variant.
Coding change: c.1430A>G on transcript NM_012469.4 (MANE Select); coding-DNA position 1430, A replaced by G.
Protein change: p.Asn477Ser; replaces asparagine 477 with serine.
Molecular consequence: missense variant.
Genome position (GRCh38, 1-based): chr20:64,011,409, A>G. VCF-style: chr20-64011409-A-G. GRCh37 (hg19) VCF-style: chr20-62642762-A-G.
Other names: short protein forms N477S.
Identifiers: ClinVar variation 1511124 (VCV001511124.8), dbSNP rs1433048453, ClinGen allele CA409727164.

ClinVar aggregate classification (germline): Uncertain significance (1 of 4 stars; one submission).

Allele frequency attached by ClinVar (database versions not stated): gnomAD 0.00001; gnomAD exomes 0.00001; TOPMed 0.00001.
gnomAD v4.1: 16 of 1,614,130 alleles (0.00099%); highest among the groups gnomAD compares: East Asian, 0.0067%; no homozygotes.

Submission:

Labcorp Genetics (formerly Invitae), Labcorp
Classification: Uncertain significance. Last evaluated: 2025-03-17. Review status: criteria provided, single submitter. Criteria: Invitae Variant Classification Sherloc (09022015). Collection method: clinical testing. Allele origin: germline.
Comment: This sequence change replaces asparagine, which is neutral and polar, with serine, which is neutral and polar, at codon 477 of the PRPF6 protein (p.Asn477Ser). This variant is not present in population databases (gnomAD no frequency). This variant has not been reported in the literature in individuals affected with PRPF6-related conditions. ClinVar contains an entry for this variant (Variation ID: 1511124). Invitae Evidence Modeling of protein sequence and biophysical properties (such as structural, functional, and spatial information, amino acid conservation, physicochemical variation, residue mobility, and thermodynamic stability) indicates that this missense variant is not expected to disrupt PRPF6 protein function with a negative predictive value of 80%. In summary, the available evidence is currently insufficient to determine the role of this variant in disease. Therefore, it has been classified as a Variant of Uncertain Significance.